The following is an entry in ClinVar:

NR_046473.1(MEG3):n.1184-7G>C

Gene: MEG3 (maternally expressed 3; plus strand). Cytogenetic location: 14q32.2.
Variant type: single nucleotide variant.
Molecular consequence: intron variant (on NR_046473.1).
Genome position: GRCh38 VCF-style: chr14-100845451-G-C. GRCh37 (hg19) VCF-style: chr14-101311788-G-C.
Identifiers: ClinVar variation 3056262 (VCV003056262.2), dbSNP rs151191249, ClinGen allele CA7346860.

ClinVar aggregate classification (germline): Benign (0 of 4 stars; one submission).

Conditions:
MEG3-related disorder. Also called: MEG3-related condition.

Allele frequency attached by ClinVar (database versions not stated): ExAC 0.01222; 1000 Genomes Project 0.01538; 1000 Genomes Project 30x 0.01655; TOPMed 0.02225; gnomAD exomes 0.02343.
gnomAD v4.1: 9,780 of 456,600 alleles (2.1%); highest among the groups gnomAD compares: Admixed American, 7.6%; 238 homozygotes.

Submission:

PreventionGenetics, part of Exact Sciences
Classification: Benign for MEG3-related condition. Last evaluated: 2019-09-06. Review status: no assertion criteria provided. Collection method: clinical testing. Allele origin: germline.
Comment: This variant is classified as benign based on ACMG/AMP sequence variant interpretation guidelines (Richards et al. 2015 PMID: 25741868, with internal and published modifications).